The following is an entry in ClinVar:

ClinVar aggregate classification (germline): Uncertain significance (1 of 4 stars; one submission).

Conditions:
Sterile multifocal osteomyelitis with periostitis and pustulosis. Also called: CHRONIC RECURRENT MULTIFOCAL OSTEOMYELITIS 2, WITH PERIOSTITIS AND PUSTULOSIS. Identifiers: Orphanet 210115, MedGen C2748507, MONDO:0013021, OMIM 612852.

gnomAD v4.1: 1 of 1,613,874 alleles (0.000062%); no homozygotes.

Submission:

Labcorp Genetics (formerly Invitae), Labcorp
Classification: Uncertain significance for Sterile multifocal osteomyelitis with periostitis and pustulosis. Last evaluated: 2017-12-26. Review status: criteria provided, single submitter. Criteria: Invitae Variant Classification Sherloc (09022015). Collection method: clinical testing. Allele origin: germline.
Comment: In summary, the available evidence is currently insufficient to determine the role of this variant in disease. Therefore, it has been classified as a Variant of Uncertain Significance. Algorithms developed to predict the effect of missense changes on protein structure and function do not agree on the potential impact of this missense change (SIFT: "Deleterious"; PolyPhen-2: "Probably Damaging"; Align-GVGD: "Class C15"). This variant has not been reported in the literature in individuals with IL1RN-related disease. This variant is not present in population databases (ExAC no frequency). This sequence change replaces phenylalanine with tyrosine at codon 85 of the IL1RN protein (p.Phe85Tyr). The phenylalanine residue is highly conserved and there is a small physicochemical difference between phenylalanine and tyrosine.

NM_173842.3(IL1RN):c.245T>A (p.Phe82Tyr)

Gene: IL1RN (interleukin 1 receptor antagonist; plus strand). Cytogenetic location: 2q14.1.
Variant type: single nucleotide variant.
Coding change: c.245T>A on transcript NM_173842.3 (MANE Select); coding-DNA position 245, T replaced by A.
Protein change: p.Phe82Tyr; replaces phenylalanine 82 with tyrosine.
Molecular consequence: missense variant.
Genome position (GRCh38, 1-based): chr2:113,131,084, T>A. VCF-style: chr2-113131084-T-A. GRCh37 (hg19) VCF-style: chr2-113888661-T-A.
Other names: c.191T>A, p.Phe64Tyr (NM_000577.5); c.143T>A, p.Phe48Tyr (NM_001318914.2, NM_001379360.1, NM_173843.3); c.254T>A, p.Phe85Tyr (NM_173841.3); short protein forms F85Y, F64Y, F82Y, F48Y.
Identifiers: ClinVar variation 537714 (VCV000537714.9), dbSNP rs1553469985, ClinGen allele CA348295397.
Genomic context (GRCh38, chr2:113,131,084, plus strand): 5'-CTCCCCTCTGTTCTTCCCCAGAAAAGATAGATGTGGTACCCATTGAGCCTCATGCTCTGT[T>A]CTTGGGAATCCATGGAGGGAAGATGTGCCTGTCCTGTGTCAAGTCTGGTGATGAGACCAG-3'
Protein context (NP_776214.1, residues 72-92): DVVPIEPHAL[Phe82Tyr]LGIHGGKMCL